The following is an entry in ClinVar:

ClinVar aggregate classification (germline): Uncertain significance. Review status: criteria provided, multiple submitters, no conflicts (2 of 4 stars). 2 submissions from 2 submitters: Uncertain significance (2). Last evaluated 2025-06-12.

Conditions:
Galloway-Mowat syndrome 1 (GAMOS1). Identifiers: Orphanet 2065, Orphanet 83472, MedGen C4551772, MONDO:0033005, OMIM 251300.

Allele frequency attached by ClinVar (database versions not stated): gnomAD exomes 0.00001; gnomAD 0.00009; TOPMed 0.00012; ExAC 0.00028.
gnomAD v4.1: 31 of 1,613,906 alleles (0.0019%); highest among the groups gnomAD compares: African/African-American, 0.036%; no homozygotes.

Submissions (2):

Labcorp Genetics (formerly Invitae), Labcorp
Classification: Uncertain significance. Last evaluated: 2025-06-12. Review status: criteria provided, single submitter. Criteria: Invitae Variant Classification Sherloc (09022015). Collection method: clinical testing. Allele origin: germline.
Comment: This sequence change replaces glutamic acid, which is acidic and polar, with glycine, which is neutral and non-polar, at codon 10 of the WDR73 protein (p.Glu10Gly). The frequency data for this variant in the population databases is considered unreliable, as metrics indicate poor data quality at this position in the gnomAD database. This variant has not been reported in the literature in individuals affected with WDR73-related conditions. ClinVar contains an entry for this variant (Variation ID: 1990178). Invitae Evidence Modeling of protein sequence and biophysical properties (such as structural, functional, and spatial information, amino acid conservation, physicochemical variation, residue mobility, and thermodynamic stability) has been performed for this missense variant. However, the output from this modeling did not meet the statistical confidence thresholds required to predict the impact of this variant on WDR73 protein function. Algorithms developed to predict the effect of sequence changes on RNA splicing suggest that this variant may create or strengthen a splice site. In summary, the available evidence is currently insufficient to determine the role of this variant in disease. Therefore, it has been classified as a Variant of Uncertain Significance.

Fulgent Genetics
Classification: Uncertain significance for Galloway-Mowat syndrome 1. Last evaluated: 2024-03-11. Review status: criteria provided, single submitter. Criteria: ACMG Guidelines, 2015. Collection method: clinical testing. Allele origin: germline.

NM_032856.5(WDR73):c.29A>G (p.Glu10Gly)

Gene: WDR73 (WD repeat domain 73; minus strand). Cytogenetic location: 15q25.2.
Variant type: single nucleotide variant.
Coding change: c.29A>G on transcript NM_032856.5 (MANE Select); coding-DNA position 29, A replaced by G.
Protein change: p.Glu10Gly; replaces glutamic acid 10 with glycine.
Molecular consequence: missense variant. On other transcripts: non-coding transcript variant (4).
Genome position (GRCh38, 1-based): chr15:84,654,246, T>C on the plus strand (A>G on the coding strand, the complement: WDR73 is on the minus strand). VCF-style: chr15-84654246-T-C. GRCh37 (hg19) VCF-style: chr15-85197477-T-C.
Other names: short protein forms E10G.
Identifiers: ClinVar variation 1990178 (VCV001990178.5), dbSNP rs759400969, ClinGen allele CA7707541.